The following is an entry in ClinVar:

NM_002878.4(RAD51D):c.603GGT[2] (p.Val205del)

Genes: RAD51L3-RFFL (RAD51L3-RFFL readthrough; minus strand), RAD51D (RAD51 paralog D; minus strand). Cytogenetic location: 17q12.
Variant type: Microsatellite.
Coding change: c.603GGT[2] on transcript NM_002878.4 (MANE Select); two copies in a row of the 3-base unit GGT starting at c.603; the reference has three copies in a row; one copy, 3 bases deleted; also written c.609_611del.
Protein change: p.Val205del; deletes valine 205.
Molecular consequence: inframe deletion. On other transcripts: non-coding transcript variant (3).
Genome position (GRCh38, 1-based): chr17:35,103,510-35,103,512, ACC deleted on the plus strand (GGT on the coding strand, the reverse complement: RAD51D is on the minus strand); deleting any 3 consecutive bases within chr17:35,103,510-35,103,518 gives the same sequence; the position shown is the placement nearest the transcript's 3' end. VCF-style (leftmost placement, unchanged base first): chr17-35103509-AACC-A. GRCh37 (hg19) VCF-style: chr17-33430528-AACC-A.
Other names: c.663GGT[2], p.Val225del (NM_001142571.2); c.267GGT[2], p.Val93del (NM_133629.3); c.609_611delGGT (NM_002878.3); c.609_611del (NM_002878.4); short protein forms V205del, V225del, V93del.
Identifiers: ClinVar variation 182850 (VCV000182850.16), dbSNP rs730881944, ClinGen allele CA299910.

ClinVar aggregate classification (germline): Uncertain significance. Review status: criteria provided, multiple submitters, no conflicts (2 of 4 stars). 4 submissions from 4 submitters: Uncertain significance (4). Last evaluated 2026-01-19.

Conditions:
Hereditary cancer-predisposing syndrome. Also called: Tumor predisposition; Hereditary Cancer Syndrome; Hereditary neoplastic syndrome; Neoplastic Syndromes, Hereditary. Identifiers: Orphanet 140162, MedGen C0027672, MeSH D009386, MONDO:0015356.
Breast-ovarian cancer, familial, susceptibility to, 4. Identifiers: Orphanet 145, MedGen C3280345, MONDO:0013669, OMIM 614291.

Submissions (4):

Labcorp Genetics (formerly Invitae), Labcorp
Classification: Uncertain significance for Breast-ovarian cancer, familial, susceptibility to, 4. Last evaluated: 2026-01-19. Review status: criteria provided, single submitter. Criteria: Invitae Variant Classification Sherloc (09022015). Collection method: clinical testing. Allele origin: germline.
Comment: This variant, c.609_611del, results in the deletion of 1 amino acid(s) of the RAD51D protein (p.Val205del), but otherwise preserves the integrity of the reading frame. This variant is not present in population databases (gnomAD no frequency). This variant has not been reported in the literature in individuals affected with RAD51D-related conditions. ClinVar contains an entry for this variant (Variation ID: 182850). Experimental studies and prediction algorithms are not available or were not evaluated, and the functional significance of this variant is currently unknown. In summary, the available evidence is currently insufficient to determine the role of this variant in disease. Therefore, it has been classified as a Variant of Uncertain Significance.

Ambry Genetics
Classification: Uncertain significance for Hereditary cancer-predisposing syndrome. Last evaluated: 2025-02-22. Review status: criteria provided, single submitter. Criteria: Ambry Variant Classification Scheme 2023. Collection method: clinical testing. Allele origin: germline.
Comment: The c.609_611delGGT variant (also known as p.V205del) is located in coding exon 7 of the RAD51D gene. This variant results from an in-frame GGT deletion at nucleotide positions 609 to 611. This results in the in-frame deletion of a valine at codon 205. This amino acid position is highly conserved in available vertebrate species. In addition, this alteration is predicted to be deleterious by in silico analysis (Choi Y et al. PLoS ONE. 2012; 7(10):e46688). Since supporting evidence is limited at this time, the clinical significance of this alteration remains unclear.

Baylor Genetics
Classification: Uncertain significance for Breast-ovarian cancer, familial, susceptibility to, 4. Last evaluated: 2023-09-19. Review status: criteria provided, single submitter. Criteria: ACMG Guidelines, 2015. Collection method: clinical testing. Allele origin: unknown.

GeneDx
Classification: Uncertain significance. Last evaluated: 2014-06-12. Review status: criteria provided, single submitter. Criteria: GeneDx Variant Classification (06012015). Collection method: clinical testing. Allele origin: germline. Affected: yes.
Comment: This deletion of 3 nucleotides is denoted RAD51D c.609_611delGGT at the cDNA level and p.Val205del at the protein level. The normal sequence, with the bases that are deleted in brackets, is TGGT[GGT]TGTG. This in frame deletion results in the loss of a single Valine residue at a position that is poorly conserved and is located in the ATPase domain (Miller 2004, Kim 2011). This variant has not, to our knowledge, been published in the literature as pathogenic or benign. Since in frame deletions may or may not inhibit proper protein functioning, the clinical significance of this finding remains unclear at this time and we consider RAD51D Val205del to be a variant of uncertain significance.